The following is an entry in ClinVar:

ClinVar aggregate classification (germline): Likely pathogenic (1 of 4 stars; one submission).

Allele frequency attached by ClinVar (database versions not stated): gnomAD exomes below 0.00001; TOPMed below 0.00001.
gnomAD v4.1: 2 of 1,611,152 alleles (0.00012%); highest among the groups gnomAD compares: Admixed American, 0.0033%; no homozygotes.

Submission:

Labcorp Genetics (formerly Invitae), Labcorp
Classification: Likely pathogenic. Last evaluated: 2024-10-22. Review status: criteria provided, single submitter. Criteria: Invitae Variant Classification Sherloc (09022015). Collection method: clinical testing. Allele origin: germline.
Comment: This sequence change affects a donor splice site in intron 17 of the DMXL2 gene. It is expected to disrupt RNA splicing. Variants that disrupt the donor or acceptor splice site typically lead to a loss of protein function (PMID: 16199547), and loss-of-function variants in DMXL2 are known to be pathogenic (PMID: 30237576, 31688942). This variant is not present in population databases (gnomAD no frequency). This variant has not been reported in the literature in individuals affected with DMXL2-related conditions. ClinVar contains an entry for this variant (Variation ID: 1955592). Algorithms developed to predict the effect of sequence changes on RNA splicing suggest that this variant may disrupt the consensus splice site. In summary, the currently available evidence indicates that the variant is pathogenic, but additional data are needed to prove that conclusively. Therefore, this variant has been classified as Likely Pathogenic.

Literature cited by the submitters: PubMed 16199547; PubMed 30237576; PubMed 31688942.

NM_001378457.1(DMXL2):c.2992+2T>C

Gene: DMXL2 (Dmx like 2; minus strand). Cytogenetic location: 15q21.2.
Variant type: single nucleotide variant.
Coding change: c.2992+2T>C on transcript NM_001378457.1 (MANE Select); the canonical splice donor site of the intron after coding-DNA position 2992, T replaced by C.
Molecular consequence: splice donor variant. On other transcripts: intron variant (2).
Genome position (GRCh38, 1-based): chr15:51,502,804, A>G on the plus strand (T>C on the coding strand, the complement: DMXL2 is on the minus strand). VCF-style: chr15-51502804-A-G. GRCh37 (hg19) VCF-style: chr15-51795001-A-G.
Other names: c.2764+4330T>C (NM_001378460.1, NM_001174117.3); c.2992+2T>C (NM_015263.5, NM_001378458.1, NM_001378459.1 and 4 more transcripts); c.2752+2T>C (NM_001378464.1).
Identifiers: ClinVar variation 1955592 (VCV001955592.5), dbSNP rs911230770, ClinGen allele CA270576861.
Genomic context (GRCh38, chr15:51,502,804, plus strand): 5'-CTAAAGAGTTCATATATTTTATCACTCTGAGCTACCACTGCCCAGTCTTAAAGTGACCTT[A>G]CCTGCTGAAGGCGTTGCTCTTATTACTTCAACTGATTCTGGGAGATCAAGGGGTTGGCTA-3'